The following is an entry in ClinVar:

ClinVar aggregate classification (germline): Uncertain significance. Review status: criteria provided, multiple submitters, no conflicts (2 of 4 stars). 2 submissions from 2 submitters: Uncertain significance (2). Last evaluated 2024-09-03.

Conditions:
Inborn genetic diseases. Identifiers: MedGen C0950123, MeSH D030342.

Allele frequency attached by ClinVar (database versions not stated): gnomAD exomes below 0.00001.
gnomAD v4.1: 6 of 1,612,298 alleles (0.00037%); highest among the groups gnomAD compares: Admixed American, 0.0083%; no homozygotes.

Submissions (2):

Ambry Genetics
Classification: Uncertain significance for Inborn genetic diseases. Last evaluated: 2024-09-03. Review status: criteria provided, single submitter. Criteria: Ambry Variant Classification Scheme 2023. Collection method: clinical testing. Allele origin: germline.

Labcorp Genetics (formerly Invitae), Labcorp
Classification: Uncertain significance. Last evaluated: 2022-05-27. Review status: criteria provided, single submitter. Criteria: Invitae Variant Classification Sherloc (09022015). Collection method: clinical testing. Allele origin: germline.
Comment: In summary, the available evidence is currently insufficient to determine the role of this variant in disease. Therefore, it has been classified as a Variant of Uncertain Significance. Algorithms developed to predict the effect of missense changes on protein structure and function (SIFT, PolyPhen-2, Align-GVGD) all suggest that this variant is likely to be disruptive. This variant has not been reported in the literature in individuals affected with ASPM-related conditions. This variant is present in population databases (no rsID available, gnomAD 0.009%). This sequence change replaces arginine, which is basic and polar, with threonine, which is neutral and polar, at codon 1041 of the ASPM protein (p.Arg1041Thr).

NM_018136.5(ASPM):c.3122G>C (p.Arg1041Thr)

Gene: ASPM (assembly factor for spindle microtubules; minus strand). Cytogenetic location: 1q31.3.
Variant type: single nucleotide variant.
Coding change: c.3122G>C on transcript NM_018136.5 (MANE Select); coding-DNA position 3122, G replaced by C.
Protein change: p.Arg1041Thr; replaces arginine 1041 with threonine.
Molecular consequence: missense variant.
Genome position (GRCh38, 1-based): chr1:197,124,916, C>G on the plus strand (G>C on the coding strand, the complement: ASPM is on the minus strand). VCF-style: chr1-197124916-C-G. GRCh37 (hg19) VCF-style: chr1-197094046-C-G.
Other names: c.3122G>C, p.Arg1041Thr (NM_001206846.2); c.3122G>C (NM_018136.4); short protein forms R1041T.
Identifiers: ClinVar variation 2420599 (VCV002420599.6), dbSNP rs1338950332, ClinGen allele CA344043928.